The following is an entry in ClinVar:

ClinVar aggregate classification (germline): Uncertain significance (1 of 4 stars; one submission).

Conditions:
Long QT syndrome (LQTS). Identifiers: MedGen C0023976, MeSH D008133, MONDO:0002442. Disease mechanism: loss of function. Inheritance: Various modes of inheritance.

Submission:

Labcorp Genetics (formerly Invitae), Labcorp
Classification: Uncertain significance for Long QT syndrome. Last evaluated: 2022-05-27. Review status: criteria provided, single submitter. Criteria: Invitae Variant Classification Sherloc (09022015). Collection method: clinical testing. Allele origin: germline.
Comment: This sequence change replaces lysine, which is basic and polar, with asparagine, which is neutral and polar, at codon 2859 of the ANK2 protein (p.Lys2859Asn). This variant is not present in population databases (gnomAD no frequency). This variant has not been reported in the literature in individuals affected with ANK2-related conditions. Algorithms developed to predict the effect of missense changes on protein structure and function output the following: SIFT: "Tolerated"; PolyPhen-2: "Benign"; Align-GVGD: "Class C0". The asparagine amino acid residue is found in multiple mammalian species, which suggests that this missense change does not adversely affect protein function. In summary, the available evidence is currently insufficient to determine the role of this variant in disease. Therefore, it has been classified as a Variant of Uncertain Significance.

NM_001148.6(ANK2):c.8577A>C (p.Lys2859Asn)

Gene: ANK2 (ankyrin 2; plus strand). Cytogenetic location: 4q26.
Variant type: single nucleotide variant.
Coding change: c.8577A>C on transcript NM_001148.6 (MANE Select); coding-DNA position 8577, A replaced by C.
Protein change: p.Lys2859Asn; replaces lysine 2859 with asparagine.
Molecular consequence: missense variant. On other transcripts: intron variant (68).
Genome position (GRCh38, 1-based): chr4:113,357,195, A>C. VCF-style: chr4-113357195-A-C. GRCh37 (hg19) VCF-style: chr4-114278351-A-C.
Other names: c.8343A>C, p.Lys2781Asn (NM_001386142.1); c.4977A>C, p.Lys1659Asn (NM_001386166.1); c.8718A>C, p.Lys2906Asn (NM_001386174.1); c.8694A>C, p.Lys2898Asn (NM_001386175.1); c.4412-3628A>C (NM_001386186.2, NM_001386148.2); c.4214-3628A>C (NM_001354269.3); c.4292-3628A>C (NM_001386187.2); c.4253-3628A>C (NM_001386147.1); and 35 more; short protein forms K2859N, K2906N, K1659N, K2781N, K2898N.
Identifiers: ClinVar variation 1952593 (VCV001952593.5), dbSNP rs2505869419, ClinGen allele CA357934359.